The following is an entry in ClinVar:

ClinVar aggregate classification (germline): Uncertain significance (1 of 4 stars; one submission).

Conditions:
Polycystic kidney disease, adult type (PKD1). Also called: Polycystic Kidney Disease 1, Autosomal Dominant; Polycystic kidney disease 1; Polycystic kidney disease 1, severe; POLYCYSTIC KIDNEY DISEASE, ADULT, TYPE I; Polycystic Kidney, Autosomal Dominant; POLYCYSTIC KIDNEY DISEASE 1 WITH OR WITHOUT POLYCYSTIC LIVER DISEASE. Identifiers: MedGen C3149841, MONDO:0008263, OMIM 173900.

Submission:

Victorian Clinical Genetics Services, Murdoch Childrens Research Institute
Classification: Uncertain significance for Polycystic kidney disease, adult type. Last evaluated: 2026-05-15. Review status: criteria provided, single submitter. Criteria: ACMG Guidelines, 2015. Collection method: clinical testing. Allele origin: germline. Affected: yes.
Comment: This variant is classified as VUS-3B. Evidence in support of pathogenic classification: Variant is present in gnomAD <0.001 for a dominant condition (v4: 5 heterozygote(s), 0 homozygote(s)). Additional information: Variant is predicted to result in a missense amino acid change from Phe to Val; This variant is heterozygous; This gene is associated with autosomal dominant disease. Polycystic kidney disease 1 (MIM#173900) is predominantly caused by monoallelic variants, with rare reports of biallelic variants causing disease (OMIM); This variant has no previous evidence of pathogenicity; No published evidence of segregation with disease has been identified for this variant; No published functional evidence has been identified for this variant; No comparable missense variants have previous evidence for pathogenicity; Variant is located in the annotated PKD domain (DECIPHER). - Missense variant with inconclusive in silico prediction and/or uninformative conservation; Loss of function is a known mechanism of disease in this gene and is associated with polycystic kidney disease 1 (MIM#173900); Inheritance information for this variant is not currently available in this individual.

NM_001009944.3(PKD1):c.5806T>G (p.Phe1936Val)

Gene: PKD1 (polycystin 1, transient receptor potential channel interacting; minus strand). Cytogenetic location: 16p13.3.
Variant type: single nucleotide variant.
Coding change: c.5806T>G on transcript NM_001009944.3 (MANE Select); coding-DNA position 5806, T replaced by G.
Protein change: p.Phe1936Val; replaces phenylalanine 1936 with valine.
Molecular consequence: missense variant.
Genome position (GRCh38, 1-based): chr16:2,109,361, A>C on the plus strand (T>G on the coding strand, the complement: PKD1 is on the minus strand). VCF-style: chr16-2109361-A-C. GRCh37 (hg19) VCF-style: chr16-2159362-A-C.
Other names: c.5806T>G, p.Phe1936Val (NM_000296.4); short protein forms F1936V.
Identifiers: ClinVar variation 4879616 (VCV004879616.1).